The following is an entry in ClinVar:

ClinVar aggregate classification (germline): Conflicting classifications of pathogenicity. Review status: criteria provided, conflicting classifications (1 of 4 stars). 2 submissions from 2 submitters: Likely pathogenic (1); Uncertain significance (1). Last evaluated 2025-11-26.

Conditions:
NR2E3-related disorder. Also called: NR2E3-related condition; NR2E3-related disorders. Identifiers: MedGen CN239387.

Submissions (2):

PreventionGenetics, part of Exact Sciences
Classification: Uncertain significance for NR2E3-related condition. Last evaluated: 2025-11-26. Review status: criteria provided, single submitter. Criteria: ACMG Guidelines, 2015. Collection method: clinical testing. Allele origin: germline.
Comment: The NR2E3 c.1199T>A variant is predicted to result in the amino acid substitution p.Met400Lys. To our knowledge, this variant has not been reported in the literature or in a large population database (gnomAD), indicating this variant is rare. At this time, the clinical significance of this variant is uncertain due to the absence of conclusive functional and genetic evidence.

Blueprint Genetics
Classification: Likely pathogenic for NR2E3-related disorders. Last evaluated: 2019-02-28. Review status: criteria provided, single submitter. Criteria: ACMG Guidelines, 2015. Collection method: clinical testing. Allele origin: germline. Affected: yes. Observed: 2 variant alleles.

NM_014249.4(NR2E3):c.1199T>A (p.Met400Lys)

Gene: NR2E3 (nuclear receptor subfamily 2 group E member 3; plus strand). Cytogenetic location: 15q23.
Variant type: single nucleotide variant.
Coding change: c.1199T>A on transcript NM_014249.4 (MANE Select); coding-DNA position 1199, T replaced by A.
Protein change: p.Met400Lys; replaces methionine 400 with lysine.
Molecular consequence: missense variant.
Genome position (GRCh38, 1-based): chr15:71,817,650, T>A. VCF-style: chr15-71817650-T-A. GRCh37 (hg19) VCF-style: chr15-72109991-T-A.
Other names: short protein forms M400K.
Identifiers: ClinVar variation 867180 (VCV000867180.3), dbSNP rs2054237722, ClinGen allele CA393041615.
Genomic context (GRCh38, chr15:71,817,650, plus strand): 5'-TTATCACTGCGGAACGCATCGAGCTCCTCTTTTTCCGCAAGACCATAGGGAATACTCCAA[T>A]GGAGAAGCTCCTTTGTGATATGTTCAAAAACTAGTGGGGGTGGAGGTGAAATGTTTCCAA-3'
Protein context (NP_055064.1, residues 390-410): FFRKTIGNTP[Met400Lys]EKLLCDMFKN